The following is an entry in ClinVar:

NM_006206.6(PDGFRA):c.3030G>C (p.Gln1010His)

Gene: PDGFRA (platelet derived growth factor receptor alpha; plus strand). Cytogenetic location: 4q12.
Variant type: single nucleotide variant.
Coding change: c.3030G>C on transcript NM_006206.6 (MANE Select); coding-DNA position 3030, G replaced by C.
Protein change: p.Gln1010His; replaces glutamine 1010 with histidine.
Molecular consequence: missense variant.
Genome position (GRCh38, 1-based): chr4:54,290,462, G>C. VCF-style: chr4-54290462-G-C. GRCh37 (hg19) VCF-style: chr4-55156629-G-C.
Other names: c.3105G>C, p.Gln1035His (NM_001347828.2); c.3030G>C, p.Gln1010His (NM_001347829.2); c.3069G>C, p.Gln1023His (NM_001347830.2); short protein forms Q1035H, Q1010H, Q1023H.
Identifiers: ClinVar variation 1799042 (VCV001799042.8), dbSNP rs2110348716, ClinGen allele CA356896228.

ClinVar aggregate classification (germline): Uncertain significance. Review status: criteria provided, multiple submitters, no conflicts (2 of 4 stars). 3 submissions from 3 submitters: Uncertain significance (3). Last evaluated 2025-11-23.

Conditions:
Hereditary cancer-predisposing syndrome. Also called: Neoplastic Syndromes, Hereditary; Hereditary neoplastic syndrome; Hereditary Cancer Syndrome; Tumor predisposition. Identifiers: Orphanet 140162, MedGen C0027672, MeSH D009386, MONDO:0015356.
Gastrointestinal stromal tumor. Also called: Gastrointestinal stromal tumor, somatic; Gastrointestinal stroma tumor. Identifiers: Orphanet 44890, MedGen C0238198, MeSH D046152, MONDO:0011719, OMIM 606764, HP:0100723.
Polyps, multiple and recurrent inflammatory fibroid, gastrointestinal. Identifiers: MedGen C5193005, MONDO:0008285, OMIM 175510.
Idiopathic hypereosinophilic syndrome (HES). Identifiers: Orphanet 3260, MedGen C0206141, MONDO:0011895, OMIM 607685. Disease mechanism: gain of function.

gnomAD v4.1: 1 of 1,614,048 alleles (0.000062%); no homozygotes.

Submissions (3):

Ambry Genetics
Classification: Uncertain significance for Hereditary cancer-predisposing syndrome. Last evaluated: 2025-11-23. Review status: criteria provided, single submitter. Criteria: Ambry Variant Classification Scheme 2023. Collection method: clinical testing. Allele origin: germline.
Comment: The p.Q1010H variant (also known as c.3030G>C), located in coding exon 21 of the PDGFRA gene, results from a G to C substitution at nucleotide position 3030. The glutamine at codon 1010 is replaced by histidine, an amino acid with highly similar properties. This amino acid position is highly conserved in available vertebrate species. In addition, the in silico prediction for this alteration is inconclusive. Since supporting evidence is limited at this time, the clinical significance of this alteration remains unclear.

Fulgent Genetics
Classification: Uncertain significance for Polyps, multiple and recurrent inflammatory fibroid, gastrointestinal; Idiopathic hypereosinophilic syndrome. Last evaluated: 2024-05-22. Review status: criteria provided, single submitter. Criteria: ACMG Guidelines, 2015. Collection method: clinical testing. Allele origin: germline.

Labcorp Genetics (formerly Invitae), Labcorp
Classification: Uncertain significance for Gastrointestinal stromal tumor. Last evaluated: 2024-01-17. Review status: criteria provided, single submitter. Criteria: Invitae Variant Classification Sherloc (09022015). Collection method: clinical testing. Allele origin: germline.
Comment: This sequence change replaces glutamine, which is neutral and polar, with histidine, which is basic and polar, at codon 1010 of the PDGFRA protein (p.Gln1010His). This variant is not present in population databases (gnomAD no frequency). This variant has not been reported in the literature in individuals affected with PDGFRA-related conditions. ClinVar contains an entry for this variant (Variation ID: 1799042). An algorithm developed to predict the effect of missense changes on protein structure and function (PolyPhen-2) suggests that this variant is likely to be disruptive. In summary, the available evidence is currently insufficient to determine the role of this variant in disease. Therefore, it has been classified as a Variant of Uncertain Significance.